The following is an entry in ClinVar:

ClinVar aggregate classification (germline): Uncertain significance (1 of 4 stars; one submission).

Conditions:
Hereditary cancer-predisposing syndrome. Also called: Neoplastic Syndromes, Hereditary; Tumor predisposition; Hereditary Cancer Syndrome; Hereditary neoplastic syndrome. Identifiers: Orphanet 140162, MedGen C0027672, MeSH D009386, MONDO:0015356.

Submission:

Ambry Genetics
Classification: Uncertain significance for Hereditary cancer-predisposing syndrome. Last evaluated: 2026-03-09. Review status: criteria provided, single submitter. Criteria: Ambry Variant Classification Scheme 2023. Collection method: clinical testing. Allele origin: germline.
Comment: The p.C350S variant (also known as c.1049G>C), located in coding exon 7 of the BRIP1 gene, results from a G to C substitution at nucleotide position 1049. The cysteine at codon 350 is replaced by serine, an amino acid with dissimilar properties. This amino acid position is highly conserved in available vertebrate species. In addition, this alteration is predicted to be deleterious by in silico analysis. Based on the available evidence, the clinical significance of this variant remains unclear.

NM_032043.3(BRIP1):c.1049G>C (p.Cys350Ser)

Gene: BRIP1 (BRCA1 interacting DNA helicase 1; minus strand). Cytogenetic location: 17q23.2.
Variant type: single nucleotide variant.
Coding change: c.1049G>C on transcript NM_032043.3 (MANE Select); coding-DNA position 1049, G replaced by C.
Protein change: p.Cys350Ser; replaces cysteine 350 with serine.
Molecular consequence: missense variant.
Genome position (GRCh38, 1-based): chr17:61,801,344, C>G on the plus strand (G>C on the coding strand, the complement: BRIP1 is on the minus strand). VCF-style: chr17-61801344-C-G. GRCh37 (hg19) VCF-style: chr17-59878705-C-G.
Other names: short protein forms C350S.
Identifiers: ClinVar variation 4826454 (VCV004826454.1).